The following is an entry in ClinVar:

ClinVar aggregate classification (germline): Uncertain significance (1 of 4 stars; one submission).

Submission:

GeneDx
Classification: Uncertain significance. Last evaluated: 2024-03-27. Review status: criteria provided, single submitter. Criteria: GeneDx Variant Classification Process June 2021. Collection method: clinical testing. Allele origin: germline. Affected: yes.
Comment: In silico analysis supports that this missense variant has a deleterious effect on protein structure/function; Has not been previously published as pathogenic or benign to our knowledge

NM_001080453.3(INTS1):c.6325C>T (p.Arg2109Cys)

Gene: INTS1 (integrator complex subunit 1; minus strand). Cytogenetic location: 7p22.3.
Variant type: single nucleotide variant.
Coding change: c.6325C>T on transcript NM_001080453.3 (MANE Select); coding-DNA position 6325, C replaced by T.
Protein change: p.Arg2109Cys; replaces arginine 2109 with cysteine.
Molecular consequence: missense variant.
Genome position (GRCh38, 1-based): chr7:1,471,155, G>A on the plus strand (C>T on the coding strand, the complement: INTS1 is on the minus strand). VCF-style: chr7-1471155-G-A. GRCh37 (hg19) VCF-style: chr7-1510791-G-A.
Other names: short protein forms R2109C.
Identifiers: ClinVar variation 3371697 (VCV003371697.1).